The following is an entry in ClinVar:

NM_001382391.1(CSPP1):c.483+6T>C

Gene: CSPP1 (centrosome and spindle pole associated protein 1; plus strand). Cytogenetic location: 8q13.1.
Variant type: single nucleotide variant.
Coding change: c.483+6T>C on transcript NM_001382391.1 (MANE Select); 6 bases into the intron after coding-DNA position 483, T replaced by C.
Molecular consequence: intron variant.
Genome position (GRCh38, 1-based): chr8:67,093,647, T>C. VCF-style: chr8-67093647-T-C. GRCh37 (hg19) VCF-style: chr8-68005882-T-C.
Other names: c.483+6T>C (NM_001363132.2); c.402+6T>C (NM_001363131.2, NM_001363133.2); c.591+6T>C (NM_001364869.1); c.510+6T>C (NM_024790.7, NM_001438331.1, NM_001438330.1 and 2 more transcripts); c.-373+6T>C (NM_001291339.2).
Identifiers: ClinVar variation 2046161 (VCV002046161.4), dbSNP rs2488604610, ClinGen allele CA2580078898.

ClinVar aggregate classification (germline): Uncertain significance (1 of 4 stars; one submission).

Conditions:
Joubert syndrome 21 (JBTS21). Identifiers: MedGen C3810212, MONDO:0014288, OMIM 615636.

Submission:

Labcorp Genetics (formerly Invitae), Labcorp
Classification: Uncertain significance for Joubert syndrome 21. Last evaluated: 2022-01-02. Review status: criteria provided, single submitter. Criteria: Invitae Variant Classification Sherloc (09022015). Collection method: clinical testing. Allele origin: germline.
Comment: In summary, the available evidence is currently insufficient to determine the role of this variant in disease. Therefore, it has been classified as a Variant of Uncertain Significance. Variants that disrupt the consensus splice site are a relatively common cause of aberrant splicing (PMID: 17576681, 9536098). Algorithms developed to predict the effect of sequence changes on RNA splicing suggest that this variant is not likely to affect RNA splicing. This variant has not been reported in the literature in individuals affected with CSPP1-related conditions. This variant is not present in population databases (gnomAD no frequency). This sequence change falls in intron 5 of the CSPP1 gene. It does not directly change the encoded amino acid sequence of the CSPP1 protein. It affects a nucleotide within the consensus splice site.

Literature cited by the submitters: PubMed 17576681; PubMed 9536098.